The following is an entry in ClinVar:

ClinVar aggregate classification (germline): Likely pathogenic. Review status: criteria provided, multiple submitters, no conflicts (2 of 4 stars). 3 submissions from 3 submitters: Likely pathogenic (2). 1 of the submissions does not count toward it. Last evaluated 2024-11-07.

Conditions:
TTN-related disorder. Also called: TTN-related condition; TTN-related disease; TTN-related disorders.
Cardiovascular phenotype. Identifiers: MedGen CN230736.

Submissions (3):

Molecular Diagnostic Laboratory for Inherited Cardiovascular Disease, Montreal Heart Institute
Classification: Likely pathogenic for Cardiovascular phenotype. Last evaluated: 2024-11-07. Review status: criteria provided, single submitter. Criteria: ACMG Guidelines, 2015. Collection method: clinical testing. Allele origin: germline. Affected: yes.
Comment: PVS1_strong, PM2, PP1

Blueprint Genetics
Classification: Likely pathogenic for TTN-related disorders. Last evaluated: 2021-12-17. Review status: criteria provided, single submitter. Criteria: ACMG Guidelines, 2015. Collection method: clinical testing. Allele origin: germline. Affected: yes. Observed: 3 variant alleles.

PreventionGenetics, part of Exact Sciences
Classification: Likely pathogenic for TTN-related condition. Last evaluated: 2024-06-04. Review status: no assertion criteria provided. Collection method: clinical testing. Allele origin: germline. Not counted in ClinVar's aggregate classification.
Comment: The TTN c.7495A>T variant is predicted to result in premature protein termination (p.Lys2499*). To our knowledge, this variant has not been reported in the literature or in a large population database, indicating this variant is rare. Other nearby loss-of-function variants have been reported in cases of autosomal recessive TTN-related myopathies (c.3880_3884delGATTC in Yu et al. 2019. PubMed ID: 31353864; c.4579delG in Töpf et al. 2020. PubMed ID: 32528171; c.4819G>T at PreventionGenetics). This variant is located in the TTN protein I-band region. RNA sequencing studies from heart tissue indicate this exon is commonly included in TTN mRNA transcripts (Exon 30, PSI of 100%, Roberts et al. 2015. PubMed ID: 25589632). TTN truncating variants are reported in 1-2% of presumably healthy individuals, but occur more frequently in exons with low PSI values (Roberts et al. 2015. PMID: 25589632; Herman et al. 2012. PMID: 22335739). However, many cases of recessive TTN-related myopathies in which the individual is compound heterozygous for two loss of function variants in TTN have also been reported (See Ceyhan-Birsoy et al. 2013. PMID: 23975875; Chauveau et al. 2014. PubMed ID: 24105469; Evilä et al. 2016. PubMed ID: 27796757; Ge et al. 2019. PubMed ID: 31053406). This variant is interpreted as likely pathogenic for both autosomal recessive and dominant TTN-related disorders.

NM_001267550.2(TTN):c.7495A>T (p.Lys2499Ter)

Gene: TTN (titin; minus strand). Cytogenetic location: 2q31.2.
Variant type: single nucleotide variant.
Coding change: c.7495A>T on transcript NM_001267550.2 (MANE Select); coding-DNA position 7495, A replaced by T.
Protein change: p.Lys2499Ter; replaces lysine 2499 with a stop codon.
Molecular consequence: nonsense.
Genome position (GRCh38, 1-based): chr2:178,773,561, T>A on the plus strand (A>T on the coding strand, the complement: TTN is on the minus strand). VCF-style: chr2-178773561-T-A. GRCh37 (hg19) VCF-style: chr2-179638288-T-A.
Other names: c.7495A>T, p.Lys2499Ter (NM_001256850.1, NM_133378.4, NM_133379.5); c.7357A>T, p.Lys2453Ter (NM_003319.4, NM_133432.3, NM_133437.4); short protein forms K2453*, K2499*.
Identifiers: ClinVar variation 2633592 (VCV002633592.5), dbSNP rs2532675283, ClinGen allele CA349680120.